The following is an entry in ClinVar:

ClinVar aggregate classification (germline): Pathogenic. Review status: criteria provided, single submitter (1 of 4 stars). 2 submissions from 2 submitters: Pathogenic (1). 1 of the submissions does not count toward it. Last evaluated 2025-02-06.

Conditions:
Hypertrophic osteoarthropathy, primary, autosomal recessive, 2 (PHOAR2E). Also called: HYPERTROPHIC OSTEOARTHROPATHY, PRIMARY, AUTOSOMAL RECESSIVE, 2/ENTEROPATHY SYNDROME; PHOAR2-enteropathy syndrome; PACHYDERMOPERIOSTOSIS, AUTOSOMAL RECESSIVE; PDP, AUTOSOMAL RECESSIVE. Identifiers: Orphanet 2796, MedGen C3280800, MONDO:0013756, OMIM 614441.

Submissions (2):

GeneDx
Classification: Pathogenic. Last evaluated: 2025-02-06. Review status: criteria provided, single submitter. Criteria: GeneDx Variant Classification Process June 2021. Collection method: clinical testing. Allele origin: germline. Affected: yes.
Comment: Frameshift variant predicted to result in abnormal protein length; Published functional studies demonstrate a loss of cell membrane expression leading to a loss of normal protein function (PMID: 35877192); This variant is associated with the following publications: (PMID: 27134495, 22331663, 29313109, 30313113, 35877192)

OMIM
Classification: Pathogenic for PHOAR2-ENTEROPATHY SYNDROME. Last evaluated: 2012-04-01. Review status: no assertion criteria provided. Collection method: literature only. Allele origin: germline. Not counted in ClinVar's aggregate classification.

Literature cited by the submitters: PubMed 22331663 (cited by OMIM).

NM_005630.3(SLCO2A1):c.830dup (p.Phe278fs)

Gene: SLCO2A1 (solute carrier organic anion transporter family member 2A1; minus strand). Cytogenetic location: 3q22.1.
Variant type: Duplication.
Coding change: c.830dup on transcript NM_005630.3 (MANE Select); coding-DNA position 830, one base duplicated (T; older notation c.830dupT).
Protein change: p.Phe278fs; shifts the reading frame from phenylalanine 278.
Molecular consequence: frameshift variant.
Genome position (GRCh38, 1-based): chr3:133,951,239, A duplicated on the plus strand (T on the coding strand, the reverse complement: SLCO2A1 is on the minus strand); the first of 8 consecutive A bases (chr3:133,951,239-133,951,246); duplicating any one gives the same sequence. VCF-style (leftmost placement, unchanged base first): chr3-133951238-G-GA. GRCh37 (hg19) VCF-style: chr3-133670082-G-GA.
Other names: c.830dupT (NM_005630.2); c.830insT (NM_005630.2); c.830dup (NM_005630.2); short protein forms F278fs.
Identifiers: ClinVar variation 37167 (VCV000037167.5), dbSNP rs751192029, ClinGen allele CA2626695.
Genomic context (GRCh38, chr3:133,951,238, plus strand): 5'-AGGTAGAGTCATGGGCTCTTGGAACCTTACCTTTGCTCCTATGGGCATTGCTCGAGGGAA[G>GA]AAAAAAAAGGGGAAAGAGGTGAGAACCAATAAAGCTGAAGAAATGAGCAGGCCTAGCCAC-3'